The following is an entry in ClinVar:

ClinVar aggregate classification (germline): Likely benign. Review status: criteria provided, multiple submitters, no conflicts (2 of 4 stars). 3 submissions from 3 submitters: Likely benign (3). Last evaluated 2025-05-13.

Conditions:
Combined oxidative phosphorylation deficiency 44. Also called: FASTKD2-Related Combined Oxidative Phosphorylation Deficiency. Identifiers: MedGen C5394293, MONDO:0030020, OMIM 618855.

Allele frequency attached by ClinVar (database versions not stated): ExAC 0.00001; gnomAD exomes 0.00002 and 0.00003; gnomAD 0.00005 and 0.00006; TOPMed 0.00007.
gnomAD v4.1: 36 of 1,610,756 alleles (0.0022%); highest among the groups gnomAD compares: African/African-American, 0.013%; no homozygotes.

Submissions (3):

Labcorp Genetics (formerly Invitae), Labcorp
Classification: Likely benign. Last evaluated: 2025-05-13. Review status: criteria provided, single submitter. Criteria: Invitae Variant Classification Sherloc (09022015). Collection method: clinical testing. Allele origin: germline.

Fulgent Genetics
Classification: Likely benign for Combined oxidative phosphorylation deficiency 44. Last evaluated: 2021-12-23. Review status: criteria provided, single submitter. Criteria: ACMG Guidelines, 2015. Collection method: clinical testing. Allele origin: unknown.

GeneDx
Classification: Likely benign. Last evaluated: 2016-04-15. Review status: criteria provided, single submitter. Criteria: GeneDx Variant Classification (06012015). Collection method: clinical testing. Allele origin: germline. Affected: yes.
Comment: This variant is considered likely benign or benign based on one or more of the following criteria: it is a conservative change, it occurs at a poorly conserved position in the protein, it is predicted to be benign by multiple in silico algorithms, and/or has population frequency not consistent with disease.

NM_001136193.2(FASTKD2):c.1115-10A>G

Gene: FASTKD2 (FAST kinase domains 2; plus strand). Cytogenetic location: 2q33.3.
Variant type: single nucleotide variant.
Coding change: c.1115-10A>G on transcript NM_001136193.2 (MANE Select); 10 bases into the intron before coding-DNA position 1115, A replaced by G.
Molecular consequence: intron variant.
Genome position (GRCh38, 1-based): chr2:206,772,171, A>G. VCF-style: chr2-206772171-A-G. GRCh37 (hg19) VCF-style: chr2-207636895-A-G.
Other names: c.1115-10A>G (NM_001136194.2, NM_014929.4).
Identifiers: ClinVar variation 385008 (VCV000385008.9), dbSNP rs747618392, ClinGen allele CA2075078.